The following is an entry in ClinVar:

ClinVar aggregate classification (germline): Uncertain significance (1 of 4 stars; one submission).

Conditions:
Hereditary cancer-predisposing syndrome. Also called: Tumor predisposition; Neoplastic Syndromes, Hereditary; Hereditary neoplastic syndrome; Hereditary Cancer Syndrome. Identifiers: Orphanet 140162, MedGen C0027672, MeSH D009386, MONDO:0015356.

Submission:

Ambry Genetics
Classification: Uncertain significance for Hereditary cancer-predisposing syndrome. Last evaluated: 2025-08-27. Review status: criteria provided, single submitter. Criteria: Ambry Variant Classification Scheme 2023. Collection method: clinical testing. Allele origin: germline.
Comment: The p.A175D variant (also known as c.524C>A), located in coding exon 7 of the MUTYH gene, results from a C to A substitution at nucleotide position 524. The alanine at codon 175 is replaced by aspartic acid, an amino acid with dissimilar properties. This amino acid position is conserved. In addition, this alteration is predicted to be deleterious by in silico analysis. Based on the available evidence, the clinical significance of this variant remains unclear.

NM_001048174.2(MUTYH):c.440C>A (p.Ala147Asp)

Gene: MUTYH (mutY DNA glycosylase; minus strand). Cytogenetic location: 1p34.1.
Variant type: single nucleotide variant.
Coding change: c.440C>A on transcript NM_001048174.2 (MANE Select); coding-DNA position 440, C replaced by A.
Protein change: p.Ala147Asp; replaces alanine 147 with aspartic acid.
Molecular consequence: missense variant. On other transcripts: non-coding transcript variant (7).
Genome position (GRCh38, 1-based): chr1:45,332,815, G>T on the plus strand (C>A on the coding strand, the complement: MUTYH is on the minus strand). VCF-style: chr1-45332815-G-T. GRCh37 (hg19) VCF-style: chr1-45798487-G-T.
Other names: c.440C>A, p.Ala147Asp (NM_001048171.2, NM_001048173.2, NM_001407081.1 and 6 more transcripts); c.443C>A, p.Ala148Asp (NM_001048172.2, NM_001407078.1, NM_001407086.1 and 1 more transcripts); c.524C>A, p.Ala175Asp (NM_001128425.2); c.485C>A, p.Ala162Asp (NM_001293190.2); c.473C>A, p.Ala158Asp (NM_001293191.2, NM_001407077.1, NM_001407069.1); c.164C>A, p.Ala55Asp (NM_001293192.2, NM_001293196.2, NM_001407091.1); c.356C>A, p.Ala119Asp (NM_001407075.1); c.401C>A, p.Ala134Asp (NM_001407079.1); and 5 more; short protein forms A134D, A154D, A172D, A32D, A55D, A133D, A147D, A162D.
Identifiers: ClinVar variation 4112851 (VCV004112851.1).